The following is an entry in ClinVar:

NM_015425.6(POLR1A):c.1249A>G (p.Ile417Val)

Gene: POLR1A (RNA polymerase I subunit A; minus strand). Cytogenetic location: 2p11.2.
Variant type: single nucleotide variant.
Coding change: c.1249A>G on transcript NM_015425.6 (MANE Select); coding-DNA position 1249, A replaced by G.
Protein change: p.Ile417Val; replaces isoleucine 417 with valine.
Molecular consequence: missense variant.
Genome position (GRCh38, 1-based): chr2:86,078,122, T>C on the plus strand (A>G on the coding strand, the complement: POLR1A is on the minus strand). VCF-style: chr2-86078122-T-C. GRCh37 (hg19) VCF-style: chr2-86305245-T-C.
Other names: short protein forms I417V.
Identifiers: ClinVar variation 2699155 (VCV002699155.3), dbSNP rs2466441829, ClinGen allele CA347552148.

ClinVar aggregate classification (germline): Uncertain significance (1 of 4 stars; one submission).

Submission:

Labcorp Genetics (formerly Invitae), Labcorp
Classification: Uncertain significance. Last evaluated: 2023-11-27. Review status: criteria provided, single submitter. Criteria: Invitae Variant Classification Sherloc (09022015). Collection method: clinical testing. Allele origin: germline.
Comment: This sequence change replaces isoleucine, which is neutral and non-polar, with valine, which is neutral and non-polar, at codon 417 of the POLR1A protein (p.Ile417Val). This variant is not present in population databases (gnomAD no frequency). This variant has not been reported in the literature in individuals affected with POLR1A-related conditions. Advanced modeling of protein sequence and biophysical properties (such as structural, functional, and spatial information, amino acid conservation, physicochemical variation, residue mobility, and thermodynamic stability) performed at Invitae indicates that this missense variant is not expected to disrupt POLR1A protein function with a negative predictive value of 80%. In summary, the available evidence is currently insufficient to determine the role of this variant in disease. Therefore, it has been classified as a Variant of Uncertain Significance.